The following is an entry in ClinVar:

NM_004519.4(KCNQ3):c.1543C>G (p.Leu515Val)

Gene: KCNQ3 (potassium voltage-gated channel subfamily Q member 3; minus strand). Cytogenetic location: 8q24.22.
Variant type: single nucleotide variant.
Coding change: c.1543C>G on transcript NM_004519.4 (MANE Select); coding-DNA position 1543, C replaced by G.
Protein change: p.Leu515Val; replaces leucine 515 with valine.
Molecular consequence: missense variant.
Genome position (GRCh38, 1-based): chr8:132,140,101, G>C on the plus strand (C>G on the coding strand, the complement: KCNQ3 is on the minus strand). VCF-style: chr8-132140101-G-C. GRCh37 (hg19) VCF-style: chr8-133152348-G-C.
Other names: c.1183C>G, p.Leu395Val (NM_001204824.2); short protein forms L515V, L395V.
Identifiers: ClinVar variation 288032 (VCV000288032.17), dbSNP rs368013249, ClinGen allele CA4880675.

ClinVar aggregate classification (germline): Conflicting classifications of pathogenicity. Review status: criteria provided, conflicting classifications (1 of 4 stars). 6 submissions from 6 submitters: Uncertain significance (5); Likely benign (1). Last evaluated 2025-01-16.

Conditions:
Seizures, benign familial neonatal, 2. Also called: KCNQ3-Related Self-Limited Familial Neonatal Epilepsy (SLFNE); Benign Neonatal Epilepsy 2; KCNQ3-Related Benign Familial Neonatal Epilepsy; Seizures, benign neonatal, 2; CONVULSIONS, BENIGN FAMILIAL NEONATAL, 2. Identifiers: Orphanet 1949, MedGen C1852581, MONDO:0007366, OMIM 121201.
Inborn genetic diseases. Identifiers: MedGen C0950123, MeSH D030342.
Benign neonatal seizures. Also called: Benign familial neonatal seizures; Convulsions benign familial neonatal dominant form; Autosomal dominant form of benign neonatal seizures; Benign neonatal familial convulsions; Benign familial neonatal epilepsy. Identifiers: Orphanet 1949, MedGen C0220669, MONDO:0016027.

Allele frequency attached by ClinVar (database versions not stated): TOPMed 0.00003; gnomAD exomes 0.00005 and 0.00003; ESP Exome Variant Server 0.00008; ExAC 0.00001; gnomAD 0.00003.
gnomAD v4.1: 77 of 1,606,942 alleles (0.0048%); highest among the groups gnomAD compares: Non-Finnish European, 0.0065%; 1 homozygote.

Submissions (6):

Ambry Genetics
Classification: Uncertain significance for Inborn genetic diseases. Last evaluated: 2025-01-16. Review status: criteria provided, single submitter. Criteria: Ambry Variant Classification Scheme 2023. Collection method: clinical testing. Allele origin: germline.

Blueprint Genetics
Classification: Likely benign. Last evaluated: 2024-05-30. Review status: criteria provided, single submitter. Criteria: ACMG Guidelines, 2015. Collection method: clinical testing. Allele origin: germline.

Labcorp Genetics (formerly Invitae), Labcorp
Classification: Uncertain significance for Benign neonatal seizures. Last evaluated: 2024-05-22. Review status: criteria provided, single submitter. Criteria: Invitae Variant Classification Sherloc (09022015). Collection method: clinical testing. Allele origin: germline.
Comment: This sequence change replaces leucine, which is neutral and non-polar, with valine, which is neutral and non-polar, at codon 515 of the KCNQ3 protein (p.Leu515Val). This variant is present in population databases (rs368013249, gnomAD 0.005%). This variant has not been reported in the literature in individuals affected with KCNQ3-related conditions. ClinVar contains an entry for this variant (Variation ID: 288032). Advanced modeling of protein sequence and biophysical properties (such as structural, functional, and spatial information, amino acid conservation, physicochemical variation, residue mobility, and thermodynamic stability) performed at Invitae indicates that this missense variant is not expected to disrupt KCNQ3 protein function with a negative predictive value of 80%. In summary, the available evidence is currently insufficient to determine the role of this variant in disease. Therefore, it has been classified as a Variant of Uncertain Significance.

Department of Pathology and Laboratory Medicine, Sinai Health System
Classification: Uncertain significance for Seizures, benign familial neonatal, 2. Last evaluated: 2022-04-07. Review status: criteria provided, single submitter. Criteria: ACMG Guidelines, 2015. Collection method: research. Allele origin: germline.

GeneDx
Classification: Uncertain significance. Last evaluated: 2017-05-30. Review status: criteria provided, single submitter. Criteria: GeneDx Variant Classification (06012015). Collection method: clinical testing. Allele origin: germline. Affected: yes.
Comment: A variant of uncertain significance has been identified in the KCNQ3 gene. The L515V variant has not been published as a pathogenic variant, nor has it been reported as a benign variant to our knowledge. The L515V variant is a conservative amino acid substitution, which is not likely to impact secondary protein structure as these residues share similar properties. This substitution occurs at a position where amino acids with similar properties to Leucine are tolerated across species. However, the L515V variant is not observed at a significant frequency in large population cohorts (Lek et al., 2016; 1000 Genomes Consortium et al., 2015; Exome Variant Server). In silico analysis is inconsistent in its predictions as to whether or not the variant is damaging to the protein structure/function. Therefore, based on the currently available information, it is unclear whether this variant is a pathogenic variant or a rare benign variant.

Eurofins Ntd Llc (ga)
Classification: Uncertain significance. Last evaluated: 2016-06-22. Review status: criteria provided, single submitter. Criteria: EGL Classification Definitions 2015. Collection method: clinical testing. Allele origin: germline. Observed: 1 variant allele, 1 heterozygote.